The following is an entry in ClinVar:

ClinVar aggregate classification (germline): Benign. Review status: criteria provided, multiple submitters, no conflicts (2 of 4 stars). 8 submissions from 8 submitters: Benign (7). 1 of the submissions does not count toward it. Last evaluated 2026-02-02.

Conditions:
Usher syndrome type 1 (USH1). Also called: RETINITIS PIGMENTOSA AND CONGENITAL DEAFNESS. Identifiers: Orphanet 231169, Orphanet 886, MedGen C1568247, MONDO:0010168, OMIM 276900.
Usher syndrome type 1F (USH1F). Also called: USHER SYNDROME, TYPE IF. Identifiers: Orphanet 231169, Orphanet 886, MedGen C1865885, MONDO:0011186, OMIM 602083.

Allele frequency attached by ClinVar (database versions not stated): ESP Exome Variant Server 0.02161; gnomAD 0.02389 and 0.02534; TOPMed 0.02398; 1000 Genomes Project 0.02576; 1000 Genomes Project 30x 0.02655; gnomAD exomes 0.02978 and 0.03007; ExAC 0.03152.
gnomAD v4.1: 47,180 of 1,613,256 alleles (2.9%); highest among the groups gnomAD compares: South Asian, 8.1%; 951 homozygotes.

Submissions (8):

Labcorp Genetics (formerly Invitae), Labcorp
Classification: Benign. Last evaluated: 2026-02-02. Review status: criteria provided, single submitter. Criteria: Invitae Variant Classification Sherloc (09022015). Collection method: clinical testing. Allele origin: germline.

Mayo Clinic Laboratories, Mayo Clinic
Classification: Benign. Last evaluated: 2021-12-03. Review status: criteria provided, single submitter. Criteria: ACMG Guidelines, 2015. Collection method: clinical testing. Allele origin: germline. Observed: 6 variant alleles.

Athena Diagnostics
Classification: Benign. Last evaluated: 2019-03-20. Review status: criteria provided, single submitter. Criteria: Athena Diagnostics Criteria. Collection method: clinical testing. Allele origin: germline.

Illumina Laboratory Services, Illumina
Classification: Benign for Usher syndrome type 1. Last evaluated: 2018-01-12. Review status: criteria provided, single submitter. Criteria: ICSL Variant Classification Criteria 13 December 2019. Collection method: clinical testing. Allele origin: germline.
Comment: This variant was observed in the ICSL laboratory as part of a predisposition screen in an ostensibly healthy population. It had not been previously curated by ICSL or reported in the Human Gene Mutation Database (HGMD: prior to June 1st, 2018), and was therefore a candidate for classification through an automated scoring system. Utilizing variant allele frequency, disease prevalence and penetrance estimates, and inheritance mode, an automated score was calculated to assess if this variant is too frequent to cause the disease. Based on the score and internal cut-off values, a variant classified as benign is not then subjected to further curation. The score for this variant resulted in a classification of benign for this disease.

GeneDx
Classification: Benign. Last evaluated: 2013-03-26. Review status: criteria provided, single submitter. Criteria: GeneDx Variant Classification (06012015). Collection method: clinical testing. Allele origin: germline. Affected: yes.
Comment: This variant is considered likely benign or benign based on one or more of the following criteria: it is a conservative change, it occurs at a poorly conserved position in the protein, it is predicted to be benign by multiple in silico algorithms, and/or has population frequency not consistent with disease.

Laboratory for Molecular Medicine, Mass General Brigham Personalized Medicine
Classification: Benign. Last evaluated: 2010-07-14. Review status: criteria provided, single submitter. Criteria: LMM Criteria. Collection method: clinical testing. Allele origin: germline. Observed: 107 variant alleles.
Comment: Pro320Pro in exon 9 of PCDH15: This variant is not expected to have clinical sig nificance because it does not alter an amino acid residue, is not located near a splice junction and is listed in dbSNP (rs41274634 - no frequency data availabl e).

Breakthrough Genomics
Classification: Benign. Review status: criteria provided, single submitter. Criteria: ACMG Guidelines, 2015. Collection method: not provided. Allele origin: germline. Inheritance: Autosomal recessive inheritance. Affected: yes.

Natera, Inc.
Classification: Benign for Usher syndrome type 1F. Last evaluated: 2020-09-16. Review status: no assertion criteria provided. Collection method: clinical testing. Allele origin: germline. Not counted in ClinVar's aggregate classification.

NM_001384140.1(PCDH15):c.960A>G (p.Pro320=)

Gene: PCDH15 (protocadherin related 15; minus strand). Cytogenetic location: 10q21.1.
Variant type: single nucleotide variant.
Coding change: c.960A>G on transcript NM_001384140.1 (MANE Select); coding-DNA position 960, A replaced by G.
Protein change: p.Pro320=; no amino-acid change (proline 320 retained).
Molecular consequence: synonymous variant.
Genome position (GRCh38, 1-based): chr10:54,236,848, T>C on the plus strand (A>G on the coding strand, the complement: PCDH15 is on the minus strand). VCF-style: chr10-54236848-T-C. GRCh37 (hg19) VCF-style: chr10-55996608-T-C.
Other names: p.P320P:CCA>CCG; p.Pro320=; c.975A>G, p.Pro325= (NM_001142763.2, NM_001142769.4, NM_001142771.2); c.960A>G, p.Pro320= (NM_001142764.2, NM_001142765.2, NM_001142766.2 and 7 more transcripts); c.849A>G, p.Pro283= (NM_001142767.2); c.894A>G, p.Pro298= (NM_001142768.2, NM_001142773.2, NM_001354404.2).
Identifiers: ClinVar variation 46513 (VCV000046513.21), dbSNP rs41274634, ClinGen allele CA138498.